The following is an entry in ClinVar:

NM_001098426.2(SMARCD2):c.1417C>T (p.Arg473Cys)

Gene: SMARCD2 (SWI/SNF related BAF chromatin remodeling complex subunit D2; minus strand). Cytogenetic location: 17q23.3.
Variant type: single nucleotide variant.
Coding change: c.1417C>T on transcript NM_001098426.2 (MANE Select); coding-DNA position 1417, C replaced by T.
Protein change: p.Arg473Cys; replaces arginine 473 with cysteine.
Molecular consequence: missense variant.
Genome position (GRCh38, 1-based): chr17:63,833,321, G>A on the plus strand (C>T on the coding strand, the complement: SMARCD2 is on the minus strand). VCF-style: chr17-63833321-G-A. GRCh37 (hg19) VCF-style: chr17-61910681-G-A.
Other names: c.1192C>T, p.Arg398Cys (NM_001330439.1); c.1273C>T, p.Arg425Cys (NM_001330440.2); short protein forms R398C, R473C, R425C.
Identifiers: ClinVar variation 2898850 (VCV002898850.3), dbSNP rs757140754, ClinGen allele CA8706214.
Genomic context (GRCh38, chr17:63,833,321, plus strand): 5'-CTTTACATAGGAGTCCCCTCGGGAAAGAGGACTACACCTTGAGGTCTCGGCGCTGGGAAC[G>A]GAGCCATTCCTGGATGAAGTCCTGGGGGTCGGTGCTAAAACTGAGCATGAAATCTCTCTG-3'
Protein context (NP_001091896.1, residues 463-483): DPQDFIQEWL[Arg473Cys]SQRRDLKIIT

ClinVar aggregate classification (germline): Uncertain significance (1 of 4 stars; one submission).

Allele frequency attached by ClinVar (database versions not stated): gnomAD exomes 0.00001; ExAC 0.00002; TOPMed 0.00002; gnomAD 0.00003.
gnomAD v4.1: 23 of 1,613,866 alleles (0.0014%); highest among the groups gnomAD compares: East Asian, 0.0089%; no homozygotes.

Submission:

Labcorp Genetics (formerly Invitae), Labcorp
Classification: Uncertain significance. Last evaluated: 2023-04-12. Review status: criteria provided, single submitter. Criteria: Invitae Variant Classification Sherloc (09022015). Collection method: clinical testing. Allele origin: germline.
Comment: In summary, the available evidence is currently insufficient to determine the role of this variant in disease. Therefore, it has been classified as a Variant of Uncertain Significance. Advanced modeling of protein sequence and biophysical properties (such as structural, functional, and spatial information, amino acid conservation, physicochemical variation, residue mobility, and thermodynamic stability) performed at Invitae indicates that this missense variant is not expected to disrupt SMARCD2 protein function. This variant has not been reported in the literature in individuals affected with SMARCD2-related conditions. This variant is present in population databases (rs757140754, gnomAD 0.02%). This sequence change replaces arginine, which is basic and polar, with cysteine, which is neutral and slightly polar, at codon 473 of the SMARCD2 protein (p.Arg473Cys).